The following is an entry in ClinVar:

NM_001048174.2(MUTYH):c.644T>C (p.Leu215Pro)

Gene: MUTYH (mutY DNA glycosylase; minus strand). Cytogenetic location: 1p34.1.
Variant type: single nucleotide variant.
Coding change: c.644T>C on transcript NM_001048174.2 (MANE Select); coding-DNA position 644, T replaced by C.
Protein change: p.Leu215Pro; replaces leucine 215 with proline.
Molecular consequence: missense variant. On other transcripts: non-coding transcript variant (2).
Genome position (GRCh38, 1-based): chr1:45,332,451, A>G on the plus strand (T>C on the coding strand, the complement: MUTYH is on the minus strand). VCF-style: chr1-45332451-A-G. GRCh37 (hg19) VCF-style: chr1-45798123-A-G.
Other names: c.644T>C, p.Leu215Pro (NM_001048171.2, NM_001048173.2, NM_001293195.2); c.647T>C, p.Leu216Pro (NM_001048172.2); c.728T>C, p.Leu243Pro (NM_001128425.2); c.689T>C, p.Leu230Pro (NM_001293190.2); c.677T>C, p.Leu226Pro (NM_001293191.2); c.368T>C, p.Leu123Pro (NM_001293192.2, NM_001293196.2); c.299T>C, p.Leu100Pro (NM_001350650.2, NM_001350651.2); c.719T>C, p.Leu240Pro (NM_012222.3); short protein forms L123P, L230P, L243P, L226P, L100P, L215P, L216P, L240P.
Identifiers: ClinVar variation 845282 (VCV000845282.12), dbSNP rs1645090090, ClinGen allele CA340134857.

ClinVar aggregate classification (germline): Conflicting classifications of pathogenicity. Review status: criteria provided, conflicting classifications (1 of 4 stars). 2 submissions from 2 submitters: Likely pathogenic (1); Uncertain significance (1). Last evaluated 2025-08-15.

Conditions:
Hereditary cancer-predisposing syndrome. Also called: Tumor predisposition; Hereditary Cancer Syndrome; Hereditary neoplastic syndrome; Neoplastic Syndromes, Hereditary. Identifiers: Orphanet 140162, MedGen C0027672, MeSH D009386, MONDO:0015356.
Familial adenomatous polyposis 2. Also called: FAP type 2; MUTYH Polyposis; COLORECTAL ADENOMATOUS POLYPOSIS, AUTOSOMAL RECESSIVE; ADENOMAS, MULTIPLE COLORECTAL, AUTOSOMAL RECESSIVE; MUTYH-associated polyposis; MUTYH-related attenuated familial adenomatous polyposis. Identifiers: Orphanet 220460, Orphanet 247798, MedGen C3272841, MONDO:0012041, OMIM 608456.

Allele frequency attached by ClinVar (database versions not stated): gnomAD exomes below 0.00001.
gnomAD v4.1: 1 of 1,614,124 alleles (0.000062%); highest among the groups gnomAD compares: Admixed American, 0.0017%; no homozygotes.

Submissions (2):

Ambry Genetics
Classification: Likely pathogenic for Hereditary cancer-predisposing syndrome. Last evaluated: 2025-08-15. Review status: criteria provided, single submitter. Criteria: Ambry Variant Classification Scheme 2023. Collection method: clinical testing. Allele origin: germline.
Comment: The p.L243P variant (also known as c.728T>C), located in coding exon 9 of the MUTYH gene, results from a T to C substitution at nucleotide position 728. The leucine at codon 243 is replaced by proline, an amino acid with similar properties. In a massively parallel cell-based functional assay testing 7,8-dihydro-8- oxoguanine:adenine (8OG:A) repair activity, a byproduct of oxidative damage, this variant was reported to be non-functional (Hemker SL et al. Am J Hum Genet. Published online July 29, 2025. DOI: 10.1016/j.ajhg.2025.07.005). This amino acid position is highly conserved in available vertebrate species. In addition, this alteration is predicted to be deleterious by in silico analysis. This variant is considered to be rare based on population cohorts in the Genome Aggregation Database (gnomAD). Based on the majority of available evidence to date, this variant is likely to be pathogenic.

Labcorp Genetics (formerly Invitae), Labcorp
Classification: Uncertain significance for Familial adenomatous polyposis 2. Last evaluated: 2025-08-03. Review status: criteria provided, single submitter. Criteria: Invitae Variant Classification Sherloc (09022015). Collection method: clinical testing. Allele origin: germline.
Comment: This sequence change replaces leucine, which is neutral and non-polar, with proline, which is neutral and non-polar, at codon 243 of the MUTYH protein (p.Leu243Pro). This variant is not present in population databases (gnomAD no frequency). This missense change has been observed in individual(s) with clinical features of familial attenuated adenomatous polyposis (PMID: 10612827; internal data). In at least one individual the data is consistent with being in trans (on the opposite chromosome) from a pathogenic variant. ClinVar contains an entry for this variant (Variation ID: 845282). An algorithm developed to predict the effect of missense changes on protein structure and function (PolyPhen-2) suggests that this variant is likely to be disruptive. In summary, the available evidence is currently insufficient to determine the role of this variant in disease. Therefore, it has been classified as a Variant of Uncertain Significance.

Literature cited by the submitters: PubMed 40738107 (cited by Ambry Genetics); PubMed 10612827 (cited by Labcorp Genetics (formerly Invitae), Labcorp).